The following is an entry in ClinVar:

ClinVar aggregate classification (germline): Uncertain significance. Review status: criteria provided, multiple submitters, no conflicts (2 of 4 stars). 2 submissions from 2 submitters: Uncertain significance (2). Last evaluated 2024-09-19.

Conditions:
Brugada syndrome 8 (BRGDA8). Identifiers: Orphanet 130, MedGen C2751083, MONDO:0013148, OMIM 613123.
Cardiovascular phenotype. Identifiers: MedGen CN230736.

Allele frequency attached by ClinVar (database versions not stated): gnomAD exomes below 0.00001.

Submissions (2):

Labcorp Genetics (formerly Invitae), Labcorp
Classification: Uncertain significance for Brugada syndrome 8. Last evaluated: 2024-09-19. Review status: criteria provided, single submitter. Criteria: Invitae Variant Classification Sherloc (09022015). Collection method: clinical testing. Allele origin: germline.
Comment: This sequence change replaces glycine, which is neutral and non-polar, with serine, which is neutral and polar, at codon 888 of the HCN4 protein (p.Gly888Ser). This variant is not present in population databases (gnomAD no frequency). This variant has not been reported in the literature in individuals affected with HCN4-related conditions. ClinVar contains an entry for this variant (Variation ID: 1794464). Invitae Evidence Modeling of protein sequence and biophysical properties (such as structural, functional, and spatial information, amino acid conservation, physicochemical variation, residue mobility, and thermodynamic stability) indicates that this missense variant is not expected to disrupt HCN4 protein function with a negative predictive value of 95%. In summary, the available evidence is currently insufficient to determine the role of this variant in disease. Therefore, it has been classified as a Variant of Uncertain Significance.

Ambry Genetics
Classification: Uncertain significance for Cardiovascular phenotype. Last evaluated: 2019-11-14. Review status: criteria provided, single submitter. Criteria: Ambry Variant Classification Scheme 2023. Collection method: clinical testing. Allele origin: germline.
Comment: The p.G888S variant (also known as c.2662G>A), located in coding exon 8 of the HCN4 gene, results from a G to A substitution at nucleotide position 2662. The glycine at codon 888 is replaced by serine, an amino acid with similar properties. This amino acid position is not well conserved in available vertebrate species, and serine is the reference amino acid in other vertebrate species. In addition, this alteration is predicted to be tolerated by in silico analysis. Since supporting evidence is limited at this time, the clinical significance of this alteration remains unclear.

NM_005477.3(HCN4):c.2662G>A (p.Gly888Ser)

Gene: HCN4 (hyperpolarization activated cyclic nucleotide gated potassium channel 4; minus strand). Cytogenetic location: 15q24.1.
Variant type: single nucleotide variant.
Coding change: c.2662G>A on transcript NM_005477.3 (MANE Select); coding-DNA position 2662, G replaced by A.
Protein change: p.Gly888Ser; replaces glycine 888 with serine.
Molecular consequence: missense variant.
Genome position (GRCh38, 1-based): chr15:73,323,431, C>T on the plus strand (G>A on the coding strand, the complement: HCN4 is on the minus strand). VCF-style: chr15-73323431-C-T. GRCh37 (hg19) VCF-style: chr15-73615772-C-T.
Other names: short protein forms G888S.
Identifiers: ClinVar variation 1794464 (VCV001794464.4), dbSNP rs2042877033, ClinGen allele CA393088460.
Genomic context (GRCh38, chr15:73,323,431, plus strand): 5'-CAAACCCGGCTATGGTGGTGGCGGCTACGCCAGCTGATGGTGTGGGAGCCGAGGGGGAGC[C>T]ACAGGCCCCGGGGGGTGGGGAGGAGCTGGATGAGGGCAGGAGTGGGCTCAGTCCAGCGGG-3'
Protein context (NP_005468.1, residues 878-898): SSSSPPPGAC[Gly888Ser]SPSAPTPSAG